The following is an entry in ClinVar:

NM_006147.4(IRF6):c.1040G>T (p.Cys347Phe)

Gene: IRF6 (interferon regulatory factor 6; minus strand). Cytogenetic location: 1q32.2.
Variant type: single nucleotide variant.
Coding change: c.1040G>T on transcript NM_006147.4 (MANE Select); coding-DNA position 1040, G replaced by T.
Protein change: p.Cys347Phe; replaces cysteine 347 with phenylalanine.
Molecular consequence: missense variant.
Genome position (GRCh38, 1-based): chr1:209,790,515, C>A on the plus strand (G>T on the coding strand, the complement: IRF6 is on the minus strand). VCF-style: chr1-209790515-C-A. GRCh37 (hg19) VCF-style: chr1-209963860-C-A.
Other names: c.755G>T, p.Cys252Phe (NM_001206696.2); short protein forms C252F, C347F.
Identifiers: ClinVar variation 3530036 (VCV003530036.1).

ClinVar aggregate classification (germline): Uncertain significance (1 of 4 stars; one submission).

Conditions:
Inborn genetic diseases. Identifiers: MedGen C0950123, MeSH D030342.

Submission:

Ambry Genetics
Classification: Uncertain significance for Inborn genetic diseases. Last evaluated: 2024-12-02. Review status: criteria provided, single submitter. Criteria: Ambry Variant Classification Scheme 2023. Collection method: clinical testing. Allele origin: germline.
Comment: The c.1040G>T (p.C347F) alteration is located in exon 7 (coding exon 5) of the IRF6 gene. This alteration results from a G to T substitution at nucleotide position 1040, causing the cysteine (C) at amino acid position 347 to be replaced by a phenylalanine (F). This variant was not reported in population-based cohorts in the Genome Aggregation Database (gnomAD). This variant was reported in individual(s) with features consistent with IRF6-related disorders (Kondo, 2002; Wu-Chou, 2013). This amino acid position is highly conserved in available vertebrate species. This alteration is predicted to be deleterious by in silico analysis. Based on insufficient or conflicting evidence, the clinical significance of this alteration remains unclear.

Literature cited by the submitters: PubMed 12219090; PubMed 23510002.